The following is an entry in ClinVar:

NM_000138.5(FBN1):c.8497_8498del (p.Ser2833fs)

Gene: FBN1 (fibrillin 1; minus strand). Cytogenetic location: 15q21.1.
Variant type: Deletion.
Coding change: c.8497_8498del on transcript NM_000138.5 (MANE Select); coding-DNA positions 8497 to 8498, 2 bases deleted (AG; older notation c.8497_8498delAG).
Protein change: p.Ser2833fs; shifts the reading frame from serine 2833.
Molecular consequence: frameshift variant.
Genome position (GRCh38, 1-based): chr15:48,411,108-48,411,109, CT deleted on the plus strand (AG on the coding strand, the reverse complement: FBN1 is on the minus strand). VCF-style (leftmost placement, unchanged base first): chr15-48411107-ACT-A. GRCh37 (hg19) VCF-style: chr15-48703304-ACT-A.
Other names: c.8497_8498del, p.Ser2833fs (NM_001406716.1); short protein forms S2833fs.
Identifiers: ClinVar variation 3757192 (VCV003757192.2).

ClinVar aggregate classification (germline): Pathogenic (1 of 4 stars; one submission).

Conditions:
Marfan syndrome (MFS). Also called: MARFAN SYNDROME, TYPE I; Marfan syndrome type 1; Marfan's syndrome; Marfan syndrome, classic; FBN1-Related Marfan Syndrome. Identifiers: Orphanet 284963, Orphanet 558, MedGen C0024796, MONDO:0007947, OMIM 154700.
Familial thoracic aortic aneurysm and aortic dissection (TAAD). Also called: Thoracic aortic aneurysms and dissections. Identifiers: Orphanet 91387, MedGen C4707243, MONDO:0019625.

Submission:

Labcorp Genetics (formerly Invitae), Labcorp
Classification: Pathogenic for Marfan syndrome; Familial thoracic aortic aneurysm and aortic dissection. Last evaluated: 2024-07-11. Review status: criteria provided, single submitter. Criteria: Invitae Variant Classification Sherloc (09022015). Collection method: clinical testing. Allele origin: germline.
Comment: This sequence change creates a premature translational stop signal (p.Ser2833Tyrfs*5) in the FBN1 gene. While this is not anticipated to result in nonsense mediated decay, it is expected to disrupt the last 39 amino acid(s) of the FBN1 protein. This variant is not present in population databases (gnomAD no frequency). This variant has not been reported in the literature in individuals affected with FBN1-related conditions. This variant disrupts a region of the FBN1 protein in which other variant(s) (p.Met2864Lys) have been determined to be pathogenic (Invitae). This suggests that this is a clinically significant region of the protein, and that variants that disrupt it are likely to be disease-causing. For these reasons, this variant has been classified as Pathogenic.